The following is an entry in ClinVar:

ClinVar aggregate classification (germline): Uncertain significance (1 of 4 stars; one submission).

Conditions:
Pseudohypoaldosteronism type 2C (PHA2C). Also called: Pseudohypoaldosteronism Type IIC. Identifiers: Orphanet 757, Orphanet 88940, MedGen C1840391, MONDO:0013778, OMIM 614492.
Neuropathy, hereditary sensory and autonomic, type 2A (HSAN2A). Also called: ACROOSTEOLYSIS, GIACCAI TYPE; ACROOSTEOLYSIS, NEUROGENIC; HSAN IIA; WNK1-Related HSAN2 (HSAN2A); MORVAN DISEASE; NEUROPATHY, CONGENITAL SENSORY. Identifiers: Orphanet 970, MedGen C2752089, MONDO:0024309, OMIM 201300.

Allele frequency attached by ClinVar (database versions not stated): gnomAD exomes below 0.00001 and 0.00001; TOPMed 0.00002.
gnomAD v4.1: 13 of 1,614,146 alleles (0.00081%); highest among the groups gnomAD compares: Non-Finnish European, 0.001%; no homozygotes.

Submission:

Labcorp Genetics (formerly Invitae), Labcorp
Classification: Uncertain significance for Neuropathy, hereditary sensory and autonomic, type 2A; Pseudohypoaldosteronism type 2C. Last evaluated: 2023-04-25. Review status: criteria provided, single submitter. Criteria: Invitae Variant Classification Sherloc (09022015). Collection method: clinical testing. Allele origin: germline.
Comment: In summary, the available evidence is currently insufficient to determine the role of this variant in disease. Therefore, it has been classified as a Variant of Uncertain Significance. Advanced modeling of protein sequence and biophysical properties (such as structural, functional, and spatial information, amino acid conservation, physicochemical variation, residue mobility, and thermodynamic stability) performed at Invitae indicates that this missense variant is not expected to disrupt WNK1 protein function. ClinVar contains an entry for this variant (Variation ID: 656778). This variant has not been reported in the literature in individuals affected with WNK1-related conditions. This variant is present in population databases (no rsID available, gnomAD 0.0009%). This sequence change replaces alanine, which is neutral and non-polar, with threonine, which is neutral and polar, at codon 2410 of the WNK1 protein (p.Ala2410Thr).

NM_018979.4(WNK1):c.6472G>A (p.Ala2158Thr)

Gene: WNK1 (WNK lysine deficient protein kinase 1; plus strand). Cytogenetic location: 12p13.33.
Variant type: single nucleotide variant.
Coding change: c.6472G>A on transcript NM_018979.4 (MANE Select); coding-DNA position 6472, G replaced by A.
Protein change: p.Ala2158Thr; replaces alanine 2158 with threonine.
Molecular consequence: missense variant.
Genome position (GRCh38, 1-based): chr12:900,499, G>A. VCF-style: chr12-900499-G-A. GRCh37 (hg19) VCF-style: chr12-1009665-G-A.
Other names: c.7252G>A, p.Ala2418Thr (NM_001184985.2); c.5728G>A, p.Ala1910Thr (NM_014823.3); c.7228G>A, p.Ala2410Thr (NM_213655.5); short protein forms A1910T, A2418T, A2158T, A2410T.
Identifiers: ClinVar variation 656778 (VCV000656778.8), dbSNP rs1173159491, ClinGen allele CA383337997.